The following is an entry in ClinVar:

NM_016203.4(PRKAG2):c.1399+130A>G

Gene: PRKAG2 (protein kinase AMP-activated non-catalytic subunit gamma 2; minus strand). Cytogenetic location: 7q36.1.
Variant type: single nucleotide variant.
Coding change: c.1399+130A>G on transcript NM_016203.4 (MANE Select); 130 bases into the intron after coding-DNA position 1399, A replaced by G.
Molecular consequence: intron variant.
Genome position (GRCh38, 1-based): chr7:151,565,590, T>C on the plus strand (A>G on the coding strand, the complement: PRKAG2 is on the minus strand). VCF-style: chr7-151565590-T-C. GRCh37 (hg19) VCF-style: chr7-151262676-T-C.
Other names: c.1267+130A>G (NM_001040633.2); c.1024+130A>G (NM_001304527.2); c.1027+130A>G (NM_001363698.2); c.676+130A>G (NM_001304531.2, NM_024429.2).
Identifiers: ClinVar variation 674369 (VCV000674369.1), dbSNP rs73475418, ClinGen allele CA169165474.

ClinVar aggregate classification (germline): Likely benign (1 of 4 stars; one submission).

Allele frequency attached by ClinVar (database versions not stated): gnomAD exomes 0.00096; gnomAD 0.00892 and 0.00949; TOPMed 0.01008; 1000 Genomes Project 0.01198; 1000 Genomes Project 30x 0.01312.
gnomAD v4.1: 2,552 of 1,311,020 alleles (0.19%); highest among the groups gnomAD compares: African/African-American, 3.2%; 45 homozygotes.

Submission:

GeneDx
Classification: Likely benign. Last evaluated: 2018-06-14. Review status: criteria provided, single submitter. Criteria: GeneDx Variant Classification (06012015). Collection method: clinical testing. Allele origin: germline. Affected: yes.
Comment: This variant is considered likely benign or benign based on one or more of the following criteria: it is a conservative change, it occurs at a poorly conserved position in the protein, it is predicted to be benign by multiple in silico algorithms, and/or has population frequency not consistent with disease.